The following is an entry in ClinVar:

NM_001370259.2(MEN1):c.796del (p.Leu266fs)

Gene: MEN1 (menin 1; minus strand). Cytogenetic location: 11q13.1.
Variant type: Deletion.
Coding change: c.796del on transcript NM_001370259.2 (MANE Select); coding-DNA position 796, one base deleted (C; older notation c.796delC).
Protein change: p.Leu266fs; shifts the reading frame from leucine 266.
Molecular consequence: frameshift variant. On other transcripts: non-coding transcript variant (4).
Genome position (GRCh38, 1-based): chr11:64,807,207, G deleted on the plus strand (C on the coding strand, the reverse complement: MEN1 is on the minus strand). VCF-style (leftmost placement, unchanged base first): chr11-64807206-AG-A. GRCh37 (hg19) VCF-style: chr11-64574678-AG-A.
Other names: c.811del, p.Leu271fs (NM_000244.4, NM_001407145.1, NM_130803.3 and 5 more transcripts); c.796delC (NM_130799.3); c.796del, p.Leu266fs (NM_001370251.2, NM_001370260.2, NM_001370261.2 and 7 more transcripts); c.691del, p.Leu231fs (NM_001370262.2, NM_001370263.2, NM_001407148.1 and 2 more transcripts); short protein forms L231fs, L266fs, L271fs.
Identifiers: ClinVar variation 3063935 (VCV003063935.3), dbSNP rs2497194043, ClinGen allele CA2740093060.
Genomic context (GRCh38, chr11:64,807,206, plus strand): 5'-CCAGGCGCAGCCTGGCCACTTCCCTCTACTGACCTTTCCAGATGTCCCAGGTCATAGAGC[AG>A]CCAGAGCAGCTTCTAGGAGCCGAAGGAGAGAGTTATGAGCCACGGAACAGGGAGGAGAAC-3'

ClinVar aggregate classification (germline): Pathogenic. Review status: criteria provided, multiple submitters, no conflicts (2 of 4 stars). 3 submissions from 3 submitters: Pathogenic (3). Last evaluated 2024-07-02.

Conditions:
Multiple endocrine neoplasia, type 1 (MEN1). Also called: Endocrine adenomatosis multiple; MEN 1; MEA I; MEN I; WERMER SYNDROME. Identifiers: Orphanet 652, MedGen C0025267, MeSH D018761, MONDO:0007540, OMIM 131100.
Hereditary cancer-predisposing syndrome. Also called: Neoplastic Syndromes, Hereditary; Tumor predisposition; Hereditary neoplastic syndrome; Hereditary Cancer Syndrome. Identifiers: Orphanet 140162, MedGen C0027672, MeSH D009386, MONDO:0015356.

Submissions (3):

Ambry Genetics
Classification: Pathogenic for Hereditary cancer-predisposing syndrome. Last evaluated: 2024-07-02. Review status: criteria provided, single submitter. Criteria: Ambry Variant Classification Scheme 2023. Collection method: clinical testing. Allele origin: germline.
Comment: The c.796delC pathogenic mutation, located in coding exon 4 of the MEN1 gene, results from a deletion of one nucleotide at nucleotide position 796, causing a translational frameshift with a predicted alternate stop codon (p.L266Cfs*15). This variant is considered to be rare based on population cohorts in the Genome Aggregation Database (gnomAD). This alteration is expected to result in loss of function by premature protein truncation or nonsense-mediated mRNA decay. As such, this alteration is interpreted as a disease-causing mutation.

Myriad Genetics, Inc.
Classification: Pathogenic for Multiple endocrine neoplasia, type 1. Last evaluated: 2024-02-29. Review status: criteria provided, single submitter. Criteria: Myriad Autosomal Dominant, Autosomal Recessive and X-Linked Classification Criteria (2023). Collection method: clinical testing. Allele origin: unknown.
Comment: This variant is considered pathogenic. This variant creates a frameshift predicted to result in premature protein truncation.

Women's Health and Genetics/Laboratory Corporation of America, LabCorp
Classification: Pathogenic for Multiple endocrine neoplasia, type 1. Last evaluated: 2024-01-15. Review status: criteria provided, single submitter. Criteria: LabCorp Variant Classification Summary - May 2015. Collection method: clinical testing. Allele origin: germline.
Comment: Variant summary: MEN1 c.796delC (p.Leu266CysfsX15) results in a premature termination codon, predicted to cause a truncation of the encoded protein or absence of the protein due to nonsense mediated decay, which are commonly known mechanisms for disease. The variant was absent in 250288 control chromosomes (gnomAD). To our knowledge, no occurrence of c.796delC in individuals affected with Multiple Endocrine Neoplasia Type 1 and no experimental evidence demonstrating its impact on protein function have been reported. No submitters have cited clinical-significance assessments for this variant to ClinVar. Based on the evidence outlined above, the variant was classified as pathogenic.